The following is an entry in ClinVar:

ClinVar aggregate classification (germline): Uncertain significance. Review status: criteria provided, multiple submitters, no conflicts (2 of 4 stars). 3 submissions from 3 submitters: Uncertain significance (3). Last evaluated 2025-04-21.

Conditions:
Inborn genetic diseases. Identifiers: MedGen C0950123, MeSH D030342.
Baller-Gerold syndrome (BGS). Also called: CRANIOSYNOSTOSIS WITH RADIAL DEFECTS. Identifiers: Orphanet 1225, MedGen C0265308, MONDO:0009039, OMIM 218600.

Allele frequency attached by ClinVar (database versions not stated): gnomAD exomes below 0.00001 and 0.00001; TOPMed 0.00001; gnomAD 0.00003.
gnomAD v4.1: 9 of 1,613,248 alleles (0.00056%); highest among the groups gnomAD compares: African/African-American, 0.011%; no homozygotes.

Submissions (3):

Ambry Genetics
Classification: Uncertain significance for Inborn genetic diseases. Last evaluated: 2025-04-21. Review status: criteria provided, single submitter. Criteria: Ambry Variant Classification Scheme 2023. Collection method: clinical testing. Allele origin: germline.

Labcorp Genetics (formerly Invitae), Labcorp
Classification: Uncertain significance for Baller-Gerold syndrome. Last evaluated: 2023-11-16. Review status: criteria provided, single submitter. Criteria: Invitae Variant Classification Sherloc (09022015). Collection method: clinical testing. Allele origin: germline.
Comment: This sequence change replaces glycine, which is neutral and non-polar, with glutamic acid, which is acidic and polar, at codon 321 of the RECQL4 protein (p.Gly321Glu). This variant is present in population databases (no rsID available, gnomAD 0.02%). This variant has not been reported in the literature in individuals affected with RECQL4-related conditions. ClinVar contains an entry for this variant (Variation ID: 571621). Experimental studies and prediction algorithms are not available or were not evaluated, and the functional significance of this variant is currently unknown. In summary, the available evidence is currently insufficient to determine the role of this variant in disease. Therefore, it has been classified as a Variant of Uncertain Significance.

Women's Health and Genetics/Laboratory Corporation of America, LabCorp
Classification: Uncertain significance. Last evaluated: 2023-08-16. Review status: criteria provided, single submitter. Criteria: LabCorp Variant Classification Summary - May 2015. Collection method: clinical testing. Allele origin: germline.
Comment: Variant summary: RECQL4 c.962G>A (p.Gly321Glu) results in a non-conservative amino acid change in the encoded protein sequence. Two of three in-silico tools predict a benign effect of the variant on protein function. The variant allele was found at a frequency of 8.1e-06 in 248372 control chromosomes (gnomAD). The available data on variant occurrences in the general population are insufficient to allow any conclusion about variant significance. To our knowledge, no occurrence of c.962G>A in individuals affected with RECQL4-Related Disorders and no experimental evidence demonstrating its impact on protein function have been reported. One submitter has cited clinical-significance assessments for this variant to ClinVar after 2014 and has classified the variant as uncertain significance. Based on the evidence outlined above, the variant was classified as uncertain significance.

NM_004260.4(RECQL4):c.962G>A (p.Gly321Glu)

Gene: RECQL4 (RecQ like helicase 4; minus strand). Cytogenetic location: 8q24.3.
Variant type: single nucleotide variant.
Coding change: c.962G>A on transcript NM_004260.4 (MANE Select); coding-DNA position 962, G replaced by A.
Protein change: p.Gly321Glu; replaces glycine 321 with glutamic acid.
Molecular consequence: missense variant.
Genome position (GRCh38, 1-based): chr8:144,516,157, C>T on the plus strand (G>A on the coding strand, the complement: RECQL4 is on the minus strand). VCF-style: chr8-144516157-C-T. GRCh37 (hg19) VCF-style: chr8-145741541-C-T.
Other names: short protein forms G321E.
Identifiers: ClinVar variation 571621 (VCV000571621.10), dbSNP rs1220650736, ClinGen allele CA372688521.